The following is an entry in ClinVar:

ClinVar aggregate classification (germline): Conflicting classifications of pathogenicity. Review status: criteria provided, conflicting classifications (1 of 4 stars). 26 submissions from 25 submitters: Uncertain significance (8); Benign (3); Likely benign (9). 6 of the submissions do not count toward it. Last evaluated 2026-09-01.

Conditions:
Anaplastic/large cell medulloblastoma. Also called: Large Cell/Anaplastic Medulloblastoma. Identifiers: Orphanet 251855, MedGen C4330531, MONDO:0016709.
MUTYH-related disorder. Also called: MUTYH-related condition; MUTYH-related disorders.
Familial colorectal cancer type X. Identifiers: Orphanet 440437, MedGen C3896578, MONDO:0018604.
Hereditary cancer-predisposing syndrome. Also called: Neoplastic Syndromes, Hereditary; Hereditary neoplastic syndrome; Hereditary Cancer Syndrome; Tumor predisposition. Identifiers: Orphanet 140162, MedGen C0027672, MeSH D009386, MONDO:0015356.
Familial adenomatous polyposis 2. Also called: FAP type 2; MUTYH-related attenuated familial adenomatous polyposis; Adenomas, multiple colorectal; MUTYH-associated polyposis; MUTYH Polyposis; MYH-associated polyposis. Identifiers: Orphanet 220460, Orphanet 247798, MedGen C3272841, MONDO:0012041, OMIM 608456.
Carcinoma of colon (CRC). Also called: Colon carcinoma; Colonic carcinoma. Identifiers: MedGen C0699790, MONDO:0002032.

Allele frequency attached by ClinVar (database versions not stated): ExAC 0.00059; TOPMed 0.00049; 1000 Genomes Project 30x 0.00016; 1000 Genomes Project 0.00020; gnomAD 0.00041; ESP Exome Variant Server 0.00046.
gnomAD v4.1: 893 of 1,614,202 alleles (0.055%); highest among the groups gnomAD compares: Middle Eastern, 0.25%; 2 homozygotes.

Submissions 1 to 14 of 26:

CeGaT Center for Human Genetics Tuebingen
Classification: Likely benign. Last evaluated: 2026-09-01. Review status: criteria provided, single submitter. Criteria: CeGaT Center For Human Genetics Tuebingen Variant Classification Criteria Version 2. Collection method: clinical testing. Allele origin: germline. Affected: yes. Observed: 9 variant alleles.
Comment: MUTYH: BS2

Labcorp Genetics (formerly Invitae), Labcorp
Classification: Benign for Familial adenomatous polyposis 2. Last evaluated: 2026-02-02. Review status: criteria provided, single submitter. Criteria: Invitae Variant Classification Sherloc (09022015). Collection method: clinical testing. Allele origin: germline.

Center for Genomic Medicine, Rigshospitalet, Copenhagen University Hospital
Classification: Uncertain significance. Last evaluated: 2025-12-29. Review status: criteria provided, single submitter. Criteria: ACMG Guidelines, 2015. Collection method: clinical testing. Allele origin: germline.

Quest Diagnostics Nichols Institute San Juan Capistrano
Classification: Likely benign. Last evaluated: 2025-10-14. Review status: criteria provided, single submitter. Criteria: Quest Diagnostics criteria. Collection method: clinical testing. Allele origin: unknown.

ARUP Laboratories, Molecular Genetics and Genomics, ARUP Laboratories
Classification: Likely benign. Last evaluated: 2025-07-15. Review status: criteria provided, single submitter. Criteria: ARUP Molecular Germline Variant Investigation Process 2024. Collection method: clinical testing. Allele origin: germline.

Blueprint Genetics
Classification: Likely benign. Last evaluated: 2024-11-11. Review status: criteria provided, single submitter. Criteria: ACMG Guidelines, 2015. Collection method: clinical testing. Allele origin: germline.

Color Diagnostics, LLC DBA Color Health
Classification: Likely benign for Hereditary cancer-predisposing syndrome. Last evaluated: 2024-09-19. Review status: criteria provided, single submitter. Criteria: ACMG Guidelines, 2015. Collection method: clinical testing. Allele origin: germline.

Department of Pathology and Laboratory Medicine, Sinai Health System
Classification: Likely benign for Familial colorectal cancer type X. Last evaluated: 2024-07-22. Review status: criteria provided, single submitter. Criteria: ACMG Guidelines, 2015. Collection method: clinical testing. Allele origin: germline. Affected: yes.

Institute for Clinical Genetics, University Hospital TU Dresden, University Hospital TU Dresden
Classification: Uncertain significance. Last evaluated: 2021-11-03. Review status: criteria provided, single submitter. Criteria: ACMG Guidelines, 2015. Collection method: clinical testing. Allele origin: germline.

Sema4
Classification: Likely benign for Hereditary cancer-predisposing syndrome. Last evaluated: 2021-05-25. Review status: criteria provided, single submitter. Criteria: Sema4 Curation Guidelines. Collection method: curation. Allele origin: germline.

Women's Health and Genetics/Laboratory Corporation of America, LabCorp
Classification: Benign. Last evaluated: 2021-01-01. Review status: criteria provided, single submitter. Criteria: LabCorp Variant Classification Summary - May 2015. Collection method: clinical testing. Allele origin: germline.
Comment: Variant summary: MUTYH c.1258C>A (p.Leu420Met) results in a conservative amino acid change located in the NUDIX hydrolase domain of the encoded protein sequence. Three of five in-silico tools predict a benign effect of the variant on protein function. The variant allele was found at a frequency of 0.00059 in 251380 control chromosomes in the gnomAD database, including 1 homozygote. This frequency is not significantly higher than expected for a pathogenic variant in MUTYH causing MUTYH-associated Polyposis (0.00059 vs 0.0046), allowing no conclusion about variant significance. c.1258C>A has been reported in the literature in sequencing studies among individuals affected with MUTYH-associated Polyposis, a variety of other cancer types and in unaffected controls (example, Cabanillas_2017, Cheng_2017, Guarinos_2014, Jalkh_2017, Johnston_2012, Maxwell_2015, Olschwang_2007, Peterlongo_2006, Ricci_2016, Rosner_2010, Smith_2009, Zhang_2015, Singal_2017, Ackay_2021, Rizzolo_2018, Tsai_2019). These report(s) do not provide unequivocal conclusions about association of the variant with MUTYH-associated Polyposis. At least one publication reports experimental evidence evaluating an impact on protein function. These results showed no damaging effect of this variant in an assay evaluating base excision repair (BER) with a MutY-Deficient E Coli complementation assay (Komine_2015). Thirteen clinical diagnostic laboratories have submitted clinical-significance assessments for this variant to ClinVar after 2014 without evidence for independent evaluation. Multiple laboratories reported the variant with conflicting assessments (uncertain significance, n=9; benign/likely benign, n=4). Some submitters cite overlapping literature utilized in the context of our evaluation. Our laboratory, among others previously re-classified this variant from uncertain significance to likely benign. Its latest re-evaluation spanning a comprehensive review of published evidence still does not point to a concrete actionable outcome and the overall directionality of evidence seems to support a benign outcome. Based on all the evidence outlined above, the variant was re-classified as benign.

GeneDx
Classification: Likely benign. Last evaluated: 2020-10-20. Review status: criteria provided, single submitter. Criteria: GeneDx Variant Classification Process June 2021. Collection method: clinical testing. Allele origin: germline. Affected: yes.
Comment: Observed in the heterozygous state in individuals with colorectal and other cancers (Peterlongo 2006, Olschwang 2007, Smith 2009, Guarinos 2014, Ballinger 2016, Jalkh 2017, Ricci 2017, Scarpa 2017, Rizzolo 2018); Observed with an intronic MUTYH variant in an individual with suspected MUTYH-associated polyposis (MAP), phase unknown (Ricci 2017); Published functional studies demonstrate no damaging effect: spontaneous mutation rates similar to wild type in an E. coli-based complementation assay (Komine 2015); In silico analysis, which includes protein predictors and evolutionary conservation, supports that this variant does not alter protein structure/function; This variant is associated with the following publications: (PMID: 24470512, 25503501, 28873162, 30564557, 25820570, 29700634, 21777424, 22703879, 20110747, 16774938, 18515411, 27829682, 17949294, 26632267, 28199314, 26269718, 27498913, 28717660, 28202063, 21153778, 19725997, 28526081, 21287799, 30374176, 26689913, 26580448)

Illumina Laboratory Services, Illumina
Classification: Uncertain significance for Familial adenomatous polyposis 2. Last evaluated: 2018-09-18. Review status: criteria provided, single submitter. Criteria: ICSL Variant Classification Criteria 13 December 2019. Collection method: clinical testing. Allele origin: germline.
Comment: This variant was observed as part of a predisposition screen in an ostensibly healthy population. A literature search was performed for the gene, cDNA change, and amino acid change (where applicable). Publications were found based on this search. However, the evidence from the literature, in combination with allele frequency data from public databases where available, was not sufficient to rule this variant in or out of causing disease. Therefore, this variant is classified as a variant of unknown significance.

Mendelics
Classification: Uncertain significance for MYH-associated polyposis. Last evaluated: 2018-07-02. Review status: criteria provided, single submitter. Criteria: Mendelics Assertion Criteria 2017. Collection method: clinical testing. Allele origin: unknown.

NM_001048174.2(MUTYH):c.1174C>A (p.Leu392Met)

Gene: MUTYH (mutY DNA glycosylase; minus strand). Cytogenetic location: 1p34.1.
Variant type: single nucleotide variant.
Coding change: c.1174C>A on transcript NM_001048174.2 (MANE Select); coding-DNA position 1174, C replaced by A.
Protein change: p.Leu392Met; replaces leucine 392 with methionine.
Molecular consequence: missense variant. On other transcripts: non-coding transcript variant (2).
Genome position (GRCh38, 1-based): chr1:45,331,485, G>T on the plus strand (C>A on the coding strand, the complement: MUTYH is on the minus strand). VCF-style: chr1-45331485-G-T. GRCh37 (hg19) VCF-style: chr1-45797157-G-T.
Other names: p.L420M:CTG>ATG; c.1174C>A, p.Leu392Met (NM_001048171.2, NM_001048173.2, NM_001293195.2); c.1177C>A, p.Leu393Met (NM_001048172.2); c.1258C>A, p.Leu420Met (NM_001128425.2); c.1219C>A, p.Leu407Met (NM_001293190.2); c.1207C>A, p.Leu403Met (NM_001293191.2); c.898C>A, p.Leu300Met (NM_001293192.2, NM_001293196.2); c.829C>A, p.Leu277Met (NM_001350650.2, NM_001350651.2); and 1 more; short protein forms L420M, L406M, L417M, L277M, L407M, L300M, L392M, L393M.
Identifiers: ClinVar variation 41752 (VCV000041752.79), dbSNP rs144079536, ClinGen allele CA011605.